The following is an entry in ClinVar:

NM_000744.7(CHRNA4):c.1780G>T (p.Val594Leu)

Gene: CHRNA4 (cholinergic receptor nicotinic alpha 4 subunit; minus strand). Cytogenetic location: 20q13.33.
Variant type: single nucleotide variant.
Coding change: c.1780G>T on transcript NM_000744.7 (MANE Select); coding-DNA position 1780, G replaced by T.
Protein change: p.Val594Leu; replaces valine 594 with leucine.
Molecular consequence: missense variant. On other transcripts: non-coding transcript variant (1).
Genome position (GRCh38, 1-based): chr20:63,346,842, C>A on the plus strand (G>T on the coding strand, the complement: CHRNA4 is on the minus strand). VCF-style: chr20-63346842-C-A. GRCh37 (hg19) VCF-style: chr20-61978194-C-A.
Other names: c.1252G>T, p.Val418Leu (NM_001256573.2); short protein forms V418L, V594L.
Identifiers: ClinVar variation 1438426 (VCV001438426.8), dbSNP rs370887602, ClinGen allele CA409631248.

ClinVar aggregate classification (germline): Uncertain significance (1 of 4 stars; one submission).

Conditions:
Familial sleep-related hypermotor epilepsy. Also called: Autosomal Dominant Sleep-Related Hypermotor (Hyperkinetic) Epilepsy. Identifiers: Orphanet 98784, MedGen C3696898, MONDO:0000030.

gnomAD v4.1: 2 of 1,612,606 alleles (0.00012%); highest among the groups gnomAD compares: African/African-American, 0.0027%; no homozygotes.

Submission:

Labcorp Genetics (formerly Invitae), Labcorp
Classification: Uncertain significance. Last evaluated: 2022-01-07. Review status: criteria provided, single submitter. Criteria: Invitae Variant Classification Sherloc (09022015). Collection method: clinical testing. Allele origin: germline.
Comment: This sequence change replaces valine, which is neutral and non-polar, with leucine, which is neutral and non-polar, at codon 594 of the CHRNA4 protein (p.Val594Leu). This variant is not present in population databases (gnomAD no frequency). This variant has not been reported in the literature in individuals affected with CHRNA4-related conditions. Algorithms developed to predict the effect of missense changes on protein structure and function are either unavailable or do not agree on the potential impact of this missense change (SIFT: "Deleterious"; PolyPhen-2: "Probably Damaging"; Align-GVGD: "Class C0"). In summary, the available evidence is currently insufficient to determine the role of this variant in disease. Therefore, it has been classified as a Variant of Uncertain Significance.